The following is an entry in ClinVar:

ClinVar aggregate classification (germline): Pathogenic (1 of 4 stars; one submission).

Conditions:
BAP1-related tumor predisposition syndrome (TPDS1). Also called: Tumor susceptibility linked to germline BAP1 mutations; BAP1 tumor predisposition syndrome; COMMON Syndrome; TUMOR PREDISPOSITION SYNDROME 1. Identifiers: Orphanet 289539, MedGen C3280492, MONDO:0013692, OMIM 614327.

Submission:

Labcorp Genetics (formerly Invitae), Labcorp
Classification: Pathogenic for BAP1-related tumor predisposition syndrome. Last evaluated: 2024-12-22. Review status: criteria provided, single submitter. Criteria: Invitae Variant Classification Sherloc (09022015). Collection method: clinical testing. Allele origin: germline.
Comment: This sequence change creates a premature translational stop signal (p.Ser325Profs*10) in the BAP1 gene. It is expected to result in an absent or disrupted protein product. Loss-of-function variants in BAP1 are known to be pathogenic (PMID: 21874000, 23684012). This variant is not present in population databases (gnomAD no frequency). This variant has not been reported in the literature in individuals affected with BAP1-related conditions. For these reasons, this variant has been classified as Pathogenic.

Literature cited by the submitters: PubMed 21874000; PubMed 23684012.

NM_004656.4(BAP1):c.972del (p.Ser325fs)

Gene: BAP1 (BRCA1 associated deubiquitinase 1; minus strand). Cytogenetic location: 3p21.1.
Variant type: Deletion.
Coding change: c.972del on transcript NM_004656.4 (MANE Select); coding-DNA position 972, one base deleted (A; older notation c.972delA).
Protein change: p.Ser325fs; shifts the reading frame from serine 325.
Molecular consequence: frameshift variant.
Genome position (GRCh38, 1-based): chr3:52,405,254, T deleted on the plus strand (A on the coding strand, the reverse complement: BAP1 is on the minus strand). VCF-style (leftmost placement, unchanged base first): chr3-52405253-AT-A. GRCh37 (hg19) VCF-style: chr3-52439269-AT-A.
Other names: c.918del, p.Ser307fs (NM_001410772.1); short protein forms S307fs, S325fs.
Identifiers: ClinVar variation 3727716 (VCV003727716.2).